The following is an entry in ClinVar:

ClinVar aggregate classification (germline): Likely benign. Review status: criteria provided, multiple submitters, no conflicts (2 of 4 stars). 3 submissions from 3 submitters: Likely benign (2). 1 of the submissions does not count toward it. Last evaluated 2025-10-17.

Conditions:
TRPM1-related disorder. Also called: TRPM1-related condition.

Allele frequency attached by ClinVar (database versions not stated): ExAC 0.00001; gnomAD exomes 0.00002 and 0.00005; gnomAD 0.00003; TOPMed 0.00006.
gnomAD v4.1: 84 of 1,614,086 alleles (0.0052%); highest among the groups gnomAD compares: Non-Finnish European, 0.0065%; no homozygotes.

Submissions (3):

Labcorp Genetics (formerly Invitae), Labcorp
Classification: Likely benign. Last evaluated: 2025-10-17. Review status: criteria provided, single submitter. Criteria: Invitae Variant Classification Sherloc (09022015). Collection method: clinical testing. Allele origin: germline.

Blueprint Genetics
Classification: Likely benign. Last evaluated: 2024-04-09. Review status: criteria provided, single submitter. Criteria: ACMG Guidelines, 2015. Collection method: clinical testing. Allele origin: germline.

PreventionGenetics, part of Exact Sciences
Classification: Likely benign for TRPM1-related condition. Last evaluated: 2019-08-08. Review status: no assertion criteria provided. Collection method: clinical testing. Allele origin: germline. Not counted in ClinVar's aggregate classification.
Comment: This variant is classified as likely benign based on ACMG/AMP sequence variant interpretation guidelines (Richards et al. 2015 PMID: 25741868, with internal and published modifications).

NM_001252024.2(TRPM1):c.2904T>C (p.Phe968=)

Genes: TRPM1 (transient receptor potential cation channel subfamily M member 1; minus strand), TRPM1-AS1 (TRPM1 antisense RNA 1; plus strand). Cytogenetic location: 15q13.3.
Variant type: single nucleotide variant.
Coding change: c.2904T>C on transcript NM_001252024.2 (MANE Select); coding-DNA position 2904, T replaced by C.
Protein change: p.Phe968=; no amino-acid change (phenylalanine 968 retained).
Molecular consequence: synonymous variant.
Genome position (GRCh38, 1-based): chr15:31,032,737, A>G on the plus strand (T>C on the coding strand, the complement: TRPM1 is on the minus strand). VCF-style: chr15-31032737-A-G. GRCh37 (hg19) VCF-style: chr15-31324940-A-G.
Other names: c.2955T>C (NM_001252020.1); c.2955T>C, p.Phe985= (NM_001252020.2); c.2838T>C, p.Phe946= (NM_002420.6).
Identifiers: ClinVar variation 1643328 (VCV001643328.11), dbSNP rs773212571, ClinGen allele CA7452046.